The following is an entry in ClinVar:

NM_000492.4(CFTR):c.1332T>G (p.Ile444Met)

Genes: CFTR (CF transmembrane conductance regulator; plus strand), CFTR-AS1 (CFTR antisense RNA 1; minus strand). Cytogenetic location: 7q31.2.
Variant type: single nucleotide variant.
Coding change: c.1332T>G on transcript NM_000492.4 (MANE Select); coding-DNA position 1332, T replaced by G.
Protein change: p.Ile444Met; replaces isoleucine 444 with methionine.
Molecular consequence: missense variant.
Genome position (GRCh38, 1-based): chr7:117,548,763, T>G. VCF-style: chr7-117548763-T-G. GRCh37 (hg19) VCF-style: chr7-117188817-T-G.
Other names: short protein forms I444M.
Identifiers: ClinVar variation 934842 (VCV000934842.12), dbSNP rs1799214404, ClinGen allele CA368982086.
Genomic context (GRCh38, chr7:117,548,763, plus strand): 5'-TGATGACAGCCTCTTCTTCAGTAATTTCTCACTTCTTGGTACTCCTGTCCTGAAAGATAT[T>G]AATTTCAAGATAGAAAGAGGACAGTTGTTGGCGGTTGCTGGATCCACTGGAGCAGGCAAG-3'
Protein context (NP_000483.3, residues 434-454): SLLGTPVLKD[Ile444Met]NFKIERGQLL

ClinVar aggregate classification (germline): Uncertain significance. Review status: criteria provided, multiple submitters, no conflicts (2 of 4 stars). 2 submissions from 2 submitters: Uncertain significance (2). Last evaluated 2022-07-12.

Conditions:
Cystic fibrosis (CF). Also called: MUCOVISCIDOSIS. Identifiers: Orphanet 586, MedGen C0010674, MONDO:0009061, OMIM 219700. Disease mechanism: loss of function.

Submissions (2):

Labcorp Genetics (formerly Invitae), Labcorp
Classification: Uncertain significance for Cystic fibrosis. Last evaluated: 2022-07-12. Review status: criteria provided, single submitter. Criteria: Invitae Variant Classification Sherloc (09022015). Collection method: clinical testing. Allele origin: germline.
Comment: In summary, the available evidence is currently insufficient to determine the role of this variant in disease. Therefore, it has been classified as a Variant of Uncertain Significance. Algorithms developed to predict the effect of missense changes on protein structure and function are either unavailable or do not agree on the potential impact of this missense change (SIFT: "Deleterious"; PolyPhen-2: "Possibly Damaging"; Align-GVGD: "Class C0"). ClinVar contains an entry for this variant (Variation ID: 934842). This variant has not been reported in the literature in individuals affected with CFTR-related conditions. This variant is not present in population databases (gnomAD no frequency). This sequence change replaces isoleucine, which is neutral and non-polar, with methionine, which is neutral and non-polar, at codon 444 of the CFTR protein (p.Ile444Met).

Ambry Genetics
Classification: Uncertain significance for Cystic fibrosis. Last evaluated: 2020-10-13. Review status: criteria provided, single submitter. Criteria: Ambry Variant Classification Scheme 2023. Collection method: clinical testing. Allele origin: germline.
Comment: The p.I444M variant (also known as c.1332T>G), located in coding exon 10 of the CFTR gene, results from a T to G substitution at nucleotide position 1332. The isoleucine at codon 444 is replaced by methionine, an amino acid with highly similar properties. This amino acid position is highly conserved in available vertebrate species. In addition, this alteration is predicted to be deleterious by in silico analysis. Since supporting evidence is limited at this time, the clinical significance of this alteration remains unclear.